The following is an entry in ClinVar:

NC_000001.11:g.150558962_150558963dup

Gene: ADAMTSL4 (ADAMTS like 4; plus strand). Cytogenetic location: 1q21.2.
Variant type: Duplication.
Genome position: GRCh38 VCF-style: chr1-150558960-A-AGT. GRCh37 (hg19) VCF-style: chr1-150531436-A-AGT.
Identifiers: ClinVar variation 2736452 (VCV002736452.3), dbSNP rs2526778229, ClinGen allele CA2697554523.

ClinVar aggregate classification (germline): Pathogenic (1 of 4 stars; one submission).

Submission:

Labcorp Genetics (formerly Invitae), Labcorp
Classification: Pathogenic. Last evaluated: 2023-07-07. Review status: criteria provided, single submitter. Criteria: Invitae Variant Classification Sherloc (09022015). Collection method: clinical testing. Allele origin: germline.
Comment: This variant is not present in population databases (gnomAD no frequency). This variant has not been reported in the literature in individuals affected with ADAMTSL4-related conditions. Algorithms developed to predict the effect of sequence changes on RNA splicing suggest that this variant may disrupt the consensus splice site. For these reasons, this variant has been classified as Pathogenic. This sequence change creates a premature translational stop signal (p.Ser855Alafs*94) in the ADAMTSL4 gene. It is expected to result in an absent or disrupted protein product. Loss-of-function variants in ADAMTSL4 are known to be pathogenic (PMID: 20564469, 28642162).

Literature cited by the submitters: PubMed 20564469; PubMed 28642162.